The following is an entry in ClinVar:

NM_000492.4(CFTR):c.3532T>A (p.Ser1178Thr)

Genes: CFTR (CF transmembrane conductance regulator; plus strand), CFTR-AS2 (CFTR antisense RNA 2; minus strand). Cytogenetic location: 7q31.2.
Variant type: single nucleotide variant.
Coding change: c.3532T>A on transcript NM_000492.4 (MANE Select); coding-DNA position 3532, T replaced by A.
Protein change: p.Ser1178Thr; replaces serine 1178 with threonine.
Molecular consequence: missense variant.
Genome position (GRCh38, 1-based): chr7:117,627,585, T>A. VCF-style: chr7-117627585-T-A. GRCh37 (hg19) VCF-style: chr7-117267639-T-A.
Other names: short protein forms S1178T.
Identifiers: ClinVar variation 1732379 (VCV001732379.2), dbSNP rs2485146216, ClinGen allele CA368996276.

ClinVar aggregate classification (germline): Uncertain significance (1 of 4 stars; one submission).

Conditions:
Cystic fibrosis (CF). Also called: MUCOVISCIDOSIS. Identifiers: Orphanet 586, MedGen C0010674, MONDO:0009061, OMIM 219700. Disease mechanism: loss of function.

Submission:

Ambry Genetics
Classification: Uncertain significance for Cystic fibrosis. Last evaluated: 2022-03-20. Review status: criteria provided, single submitter. Criteria: Ambry Variant Classification Scheme 2023. Collection method: clinical testing. Allele origin: germline.
Comment: The p.S1178T variant (also known as c.3532T>A), located in coding exon 22 of the CFTR gene, results from a T to A substitution at nucleotide position 3532. The serine at codon 1178 is replaced by threonine, an amino acid with similar properties. This amino acid position is conserved. In addition, this alteration is predicted to be tolerated by in silico analysis. Since supporting evidence is limited at this time, the clinical significance of this alteration remains unclear.